The following is an entry in ClinVar:

NM_000051.4(ATM):c.6199-19C>T

Genes: C11orf65 (chromosome 11 open reading frame 65; minus strand), ATM (ATM serine/threonine kinase; plus strand). Cytogenetic location: 11q22.3.
Variant type: single nucleotide variant.
Coding change: c.6199-19C>T on transcript NM_000051.4 (MANE Select); 19 bases into the intron before coding-DNA position 6199, C replaced by T.
Molecular consequence: intron variant.
Genome position (GRCh38, 1-based): chr11:108,317,354, C>T. VCF-style: chr11-108317354-C-T. GRCh37 (hg19) VCF-style: chr11-108188081-C-T.
Other names: c.6199-19C>T (NM_001351834.2); c.641-8283G>A (NM_001330368.2); c.*39-8283G>A (NM_001351110.2).
Identifiers: ClinVar variation 3254138 (VCV003254138.1), dbSNP rs1253016340.
Genomic context (GRCh38, chr11:108,317,354, plus strand): 5'-TATCTTTGCTGTTTTTTTCTCTGGTTTTCTGTTGATATCTTTGATTACTTAACTTAAAAA[C>T]AAAATAACTCCTGTTTAGGCCTTGCAGAATTTGGGACTCTGCCATATTCTTTCCGTCTAT-3'

ClinVar aggregate classification (germline): Likely benign (1 of 4 stars; one submission).

Conditions:
Familial cancer of breast. Also called: hereditary breast carcinoma; BREAST CANCER, FAMILIAL; Hereditary breast cancer. Identifiers: Orphanet 227535, MedGen C0346153, MONDO:0016419, OMIM 114480. Disease mechanism: loss of function.

Allele frequency attached by ClinVar (database versions not stated): TOPMed below 0.00001; gnomAD 0.00001.
gnomAD v4.1: 1 of 1,606,010 alleles (0.000062%); highest among the groups gnomAD compares: African/African-American, 0.0013%; no homozygotes.

Submission:

Myriad Genetics, Inc.
Classification: Likely benign for Familial cancer of breast. Last evaluated: 2024-06-03. Review status: criteria provided, single submitter. Criteria: Myriad Autosomal Dominant, Autosomal Recessive and X-Linked Classification Criteria (2023). Collection method: clinical testing. Allele origin: unknown.
Comment: This variant is considered likely benign. This variant is intronic and is not expected to impact mRNA splicing.